The following is an entry in ClinVar:

NM_000051.4(ATM):c.2922-4A>G

Gene: ATM (ATM serine/threonine kinase; plus strand). Cytogenetic location: 11q22.3.
Variant type: single nucleotide variant.
Coding change: c.2922-4A>G on transcript NM_000051.4 (MANE Select); 4 bases into the intron before coding-DNA position 2922, A replaced by G.
Molecular consequence: intron variant.
Genome position (GRCh38, 1-based): chr11:108,271,247, A>G. VCF-style: chr11-108271247-A-G. GRCh37 (hg19) VCF-style: chr11-108141974-A-G.
Other names: c.2922-4A>G (NM_001351834.2).
Identifiers: ClinVar variation 478952 (VCV000478952.19), dbSNP rs1555084924, ClinGen allele CA658656160.

ClinVar aggregate classification (germline): Conflicting classifications of pathogenicity. Review status: criteria provided, conflicting classifications (1 of 4 stars). 4 submissions from 4 submitters: Uncertain significance (1); Likely benign (3). Last evaluated 2024-05-10.

Conditions:
Hereditary cancer-predisposing syndrome. Also called: Tumor predisposition; Neoplastic Syndromes, Hereditary; Hereditary Cancer Syndrome; Hereditary neoplastic syndrome. Identifiers: Orphanet 140162, MedGen C0027672, MeSH D009386, MONDO:0015356.
Familial cancer of breast. Also called: BREAST CANCER, FAMILIAL; Hereditary breast cancer; hereditary breast carcinoma. Identifiers: Orphanet 227535, MedGen C0346153, MONDO:0016419, OMIM 114480. Disease mechanism: loss of function.
Ataxia-telangiectasia syndrome (AT). Also called: Cerebello-oculocutaneous telangiectasia; Immunodeficiency with ataxia telangiectasia; ATAXIA-TELANGIECTASIA, COMPLEMENTATION GROUP A; Ataxia-telangiectasia, complementation group D; AT, COMPLEMENTATION GROUP C; ATAXIA-TELANGIECTASIA, FRESNO VARIANT. Identifiers: Orphanet 100, MedGen C0004135, MONDO:0008840, OMIM 208900.

Allele frequency attached by ClinVar (database versions not stated): gnomAD exomes below 0.00001.
gnomAD v4.1: 2 of 1,611,124 alleles (0.00012%); highest among the groups gnomAD compares: Non-Finnish European, 0.000085%; no homozygotes.

Submissions (4):

Myriad Genetics, Inc.
Classification: Likely benign for Familial cancer of breast. Last evaluated: 2024-05-10. Review status: criteria provided, single submitter. Criteria: Myriad Autosomal Dominant, Autosomal Recessive and X-Linked Classification Criteria (2023). Collection method: clinical testing. Allele origin: unknown.
Comment: This variant is considered likely benign. This variant is intronic and is not expected to impact mRNA splicing.

Labcorp Genetics (formerly Invitae), Labcorp
Classification: Likely benign for Ataxia-telangiectasia syndrome. Last evaluated: 2023-06-27. Review status: criteria provided, single submitter. Criteria: Invitae Variant Classification Sherloc (09022015). Collection method: clinical testing. Allele origin: germline.

Ambry Genetics
Classification: Likely benign for Hereditary cancer-predisposing syndrome. Last evaluated: 2021-09-20. Review status: criteria provided, single submitter. Criteria: Ambry Variant Classification Scheme 2023. Collection method: clinical testing. Allele origin: germline.

Color Diagnostics, LLC DBA Color Health
Classification: Uncertain significance for Hereditary cancer-predisposing syndrome. Last evaluated: 2020-01-31. Review status: criteria provided, single submitter. Criteria: ACMG Guidelines, 2015. Collection method: clinical testing. Allele origin: germline.
Comment: This variant causes an A to G nucleotide substitution at the -4 position of intron 19 of the ATM gene. To our knowledge, functional studies have not been performed for this variant. This variant has not been reported in individuals affected with hereditary cancer in the literature. This variant has not been identified in the general population by the Genome Aggregation Database (gnomAD). Although there is a suspicion that this variant may not be associated with disease, additional studies are necessary to determine the role of this variant in disease conclusively. Therefore, this variant is classified as a Variant of Uncertain Significance.